The following is an entry in ClinVar:

NM_007254.4(PNKP):c.374T>C (p.Val125Ala)

Gene: PNKP (polynucleotide kinase 3'-phosphatase; minus strand). Cytogenetic location: 19q13.33.
Variant type: single nucleotide variant.
Coding change: c.374T>C on transcript NM_007254.4 (MANE Select); coding-DNA position 374, T replaced by C.
Protein change: p.Val125Ala; replaces valine 125 with alanine.
Molecular consequence: missense variant.
Genome position (GRCh38, 1-based): chr19:49,865,251, A>G on the plus strand (T>C on the coding strand, the complement: PNKP is on the minus strand). VCF-style: chr19-49865251-A-G. GRCh37 (hg19) VCF-style: chr19-50368508-A-G.
Other names: short protein forms V125A.
Identifiers: ClinVar variation 2188335 (VCV002188335.4), dbSNP rs2514641138, ClinGen allele CA406889796.

ClinVar aggregate classification (germline): Uncertain significance (1 of 4 stars; one submission).

Conditions:
Developmental and epileptic encephalopathy, 12 (DEE12). Identifiers: MedGen C3150988, MONDO:0013389, OMIM 613722.

Submission:

Labcorp Genetics (formerly Invitae), Labcorp
Classification: Uncertain significance for Developmental and epileptic encephalopathy, 12. Last evaluated: 2022-03-11. Review status: criteria provided, single submitter. Criteria: Invitae Variant Classification Sherloc (09022015). Collection method: clinical testing. Allele origin: germline.
Comment: In summary, the available evidence is currently insufficient to determine the role of this variant in disease. Therefore, it has been classified as a Variant of Uncertain Significance. Algorithms developed to predict the effect of missense changes on protein structure and function output the following: SIFT: "Tolerated"; PolyPhen-2: "Benign"; Align-GVGD: "Class C0". The alanine amino acid residue is found in multiple mammalian species, which suggests that this missense change does not adversely affect protein function. This variant has not been reported in the literature in individuals affected with PNKP-related conditions. This variant is not present in population databases (gnomAD no frequency). This sequence change replaces valine, which is neutral and non-polar, with alanine, which is neutral and non-polar, at codon 125 of the PNKP protein (p.Val125Ala).